The following is an entry in ClinVar:

ClinVar aggregate classification (germline): Uncertain significance (1 of 4 stars; one submission).

Submission:

GeneDx
Classification: Uncertain significance. Last evaluated: 2023-05-29. Review status: criteria provided, single submitter. Criteria: GeneDx Variant Classification Process June 2021. Collection method: clinical testing. Allele origin: germline. Affected: yes.
Comment: Reported using an alternate transcript of the gene; In silico analysis supports that this missense variant has a deleterious effect on protein structure/function; Not observed at significant frequency in large population cohorts (gnomAD); Has not been previously published as pathogenic or benign to our knowledge

NM_024818.6(UBA5):c.737G>A (p.Arg246Gln)

Genes: NPHP3-ACAD11 (NPHP3-ACAD11 readthrough (NMD candidate); minus strand), UBA5 (ubiquitin like modifier activating enzyme 5; plus strand). Cytogenetic location: 3q22.1.
Variant type: single nucleotide variant.
Coding change: c.737G>A on transcript NM_024818.6 (MANE Select); coding-DNA position 737, G replaced by A.
Protein change: p.Arg246Gln; replaces arginine 246 with glutamine.
Molecular consequence: missense variant.
Genome position (GRCh38, 1-based): chr3:132,672,102, G>A. VCF-style: chr3-132672102-G-A. GRCh37 (hg19) VCF-style: chr3-132390946-G-A.
Other names: c.569G>A, p.Arg190Gln (NM_001320210.2, NM_198329.4); c.467G>A, p.Arg156Gln (NM_001321238.2); c.401G>A, p.Arg134Gln (NM_001321239.1); short protein forms R134Q, R156Q, R190Q, R246Q.
Identifiers: ClinVar variation 3359330 (VCV003359330.1).